The following is an entry in ClinVar:

NM_001271.4(CHD2):c.3470del (p.Ala1157fs)

Gene: CHD2 (chromodomain helicase DNA binding protein 2; plus strand). Cytogenetic location: 15q26.1.
Variant type: Deletion.
Coding change: c.3470del on transcript NM_001271.4 (MANE Select); coding-DNA position 3470, one base deleted (C; older notation c.3470delC).
Protein change: p.Ala1157fs; shifts the reading frame from alanine 1157.
Molecular consequence: frameshift variant.
Genome position (GRCh38, 1-based): chr15:92,992,873, C deleted. VCF-style (leftmost placement, unchanged base first): chr15-92992872-GC-G. GRCh37 (hg19) VCF-style: chr15-93536102-GC-G.
Other names: short protein forms A1157fs.
Identifiers: ClinVar variation 4719151 (VCV004719151.1).

ClinVar aggregate classification (germline): Pathogenic (1 of 4 stars; one submission).

Conditions:
Developmental and epileptic encephalopathy 94 (DEE94). Also called: Epileptic encephalopathy, childhood-onset; CHD2-Related Neurodevelopmental Disorders. Identifiers: Orphanet 1942, Orphanet 2382, MedGen C3809278, MONDO:0014150, OMIM 615369.

Submission:

Labcorp Genetics (formerly Invitae), Labcorp
Classification: Pathogenic for Developmental and epileptic encephalopathy 94. Last evaluated: 2025-05-07. Review status: criteria provided, single submitter. Criteria: Invitae Variant Classification Sherloc (09022015). Collection method: clinical testing. Allele origin: germline.
Comment: This sequence change creates a premature translational stop signal (p.Ala1157Aspfs*7) in the CHD2 gene. It is expected to result in an absent or disrupted protein product. Loss-of-function variants in CHD2 are known to be pathogenic (PMID: 23708187, 24207121). This variant is not present in population databases (gnomAD no frequency). This variant has not been reported in the literature in individuals affected with CHD2-related conditions. For these reasons, this variant has been classified as Pathogenic.

Literature cited by the submitters: PubMed 23708187; PubMed 24207121.